The following is an entry in ClinVar:

ClinVar aggregate classification (germline): Uncertain significance (1 of 4 stars; one submission).

Allele frequency attached by ClinVar (database versions not stated): gnomAD exomes below 0.00001.
gnomAD v4.1: 1 of 1,597,990 alleles (0.000063%); highest among the groups gnomAD compares: Non-Finnish European, 0.000085%; no homozygotes.

Submission:

GeneDx
Classification: Uncertain significance. Last evaluated: 2022-12-14. Review status: criteria provided, single submitter. Criteria: GeneDx Variant Classification Process June 2021. Collection method: clinical testing. Allele origin: germline. Affected: yes.
Comment: Not observed at significant frequency in large population cohorts (gnomAD); Missense variants in this gene are often considered pathogenic (HGMD); In silico analysis supports that this missense variant does not alter protein structure/function; Has not been previously published as pathogenic or benign to our knowledge; This substitution is predicted to be within the C-terminal cytoplasmic domain.

NM_001330260.2(SCN8A):c.3382G>A (p.Asp1128Asn)

Gene: SCN8A (sodium voltage-gated channel alpha subunit 8; plus strand). Cytogenetic location: 12q13.13.
Variant type: single nucleotide variant.
Coding change: c.3382G>A on transcript NM_001330260.2 (MANE Select); coding-DNA position 3382, G replaced by A.
Protein change: p.Asp1128Asn; replaces aspartic acid 1128 with asparagine.
Molecular consequence: missense variant.
Genome position (GRCh38, 1-based): chr12:51,769,877, G>A. VCF-style: chr12-51769877-G-A. GRCh37 (hg19) VCF-style: chr12-52163661-G-A.
Other names: c.3382G>A, p.Asp1128Asn (NM_001177984.3, NM_001369788.1, NM_014191.4); short protein forms D1128N.
Identifiers: ClinVar variation 2505957 (VCV002505957.1), dbSNP rs2540268942, ClinGen allele CA384895008.